The following is an entry in ClinVar:

NM_001303256.3(MORC2):c.2108C>G (p.Ser703Cys)

Gene: MORC2 (MORC family CW-type zinc finger 2; minus strand). Cytogenetic location: 22q12.2.
Variant type: single nucleotide variant.
Coding change: c.2108C>G on transcript NM_001303256.3 (MANE Select); coding-DNA position 2108, C replaced by G.
Protein change: p.Ser703Cys; replaces serine 703 with cysteine.
Molecular consequence: missense variant.
Genome position (GRCh38, 1-based): chr22:30,934,866, G>C on the plus strand (C>G on the coding strand, the complement: MORC2 is on the minus strand). VCF-style: chr22-30934866-G-C. GRCh37 (hg19) VCF-style: chr22-31330853-G-C.
Other names: c.2108C>G, p.Ser703Cys (NM_001303257.2); c.1922C>G, p.Ser641Cys (NM_014941.3); short protein forms S641C, S703C.
Identifiers: ClinVar variation 3374835 (VCV003374835.1).

ClinVar aggregate classification (germline): Uncertain significance (1 of 4 stars; one submission).

Submission:

Women's Health and Genetics/Laboratory Corporation of America, LabCorp
Classification: Uncertain significance. Last evaluated: 2024-09-13. Review status: criteria provided, single submitter. Criteria: LabCorp Variant Classification Summary - May 2015. Collection method: clinical testing. Allele origin: germline.
Comment: Variant summary: MORC2 c.2108C>G (p.Ser703Cys) results in a non-conservative amino acid change in the encoded protein sequence. Three of five in-silico tools predict a damaging effect of the variant on protein function. The variant was absent in 251414 control chromosomes. The available data on variant occurrences in the general population are insufficient to allow any conclusion about variant significance. To our knowledge, no occurrence of c.2108C>G in individuals affected with Developmental Delay, Impaired Growth, Dysmorphic Facies, And Axonal Neuropathy and no experimental evidence demonstrating its impact on protein function have been reported. No submitters have cited clinical-significance assessments for this variant to ClinVar. Based on the evidence outlined above, the variant was classified as uncertain significance.